The following is an entry in ClinVar:

ClinVar aggregate classification (germline): Likely benign (1 of 4 stars; one submission).

Allele frequency attached by ClinVar (database versions not stated): gnomAD exomes 0.00001; ExAC 0.00008.

Submission:

CeGaT Center for Human Genetics Tuebingen
Classification: Likely benign. Last evaluated: 2022-07-01. Review status: criteria provided, single submitter. Criteria: CeGaT Center For Human Genetics Tuebingen Variant Classification Criteria Version 2. Collection method: clinical testing. Allele origin: germline. Affected: yes. Observed: 1 variant allele.
Comment: IQCN: BP4, BP7

NM_001145304.2(IQCN):c.2718A>G (p.Glu906=)

Gene: IQCN (IQ motif containing N; minus strand). Cytogenetic location: 19p13.11.
Variant type: single nucleotide variant.
Coding change: c.2718A>G on transcript NM_001145304.2 (MANE Select); coding-DNA position 2718, A replaced by G.
Protein change: p.Glu906=; no amino-acid change (glutamic acid 906 retained).
Molecular consequence: synonymous variant. On other transcripts: intron variant (2).
Genome position (GRCh38, 1-based): chr19:18,264,822, T>C on the plus strand (A>G on the coding strand, the complement: IQCN is on the minus strand). VCF-style: chr19-18264822-T-C. GRCh37 (hg19) VCF-style: chr19-18375632-T-C.
Other names: c.2616+102A>G (NM_025249.4); c.2478+102A>G (NM_001145305.2).
Identifiers: ClinVar variation 2649578 (VCV002649578.24), dbSNP rs763428833, ClinGen allele CA9309184.
Genomic context (GRCh38, chr19:18,264,822, plus strand): 5'-TTTGGTGACAGTGGCACCCAGGACCTCCTTGGACAGGGCCTGGTTCAGAGCTGCCCAGAC[T>C]TCTCCCTGGGAGAGGGCTTTGGCCAACAGAGTGCGGAGATCCTCCTGGGATGCCAGCACA-3'
Protein context (NP_001138776.1, residues 896-916): TLLAKALSQG[Glu906=]VWAALNQALS